The following is an entry in ClinVar:

NM_006231.4(POLE):c.6181C>G (p.Gln2061Glu)

Gene: POLE (DNA polymerase epsilon, catalytic subunit; minus strand). Cytogenetic location: 12q24.33.
Variant type: single nucleotide variant.
Coding change: c.6181C>G on transcript NM_006231.4 (MANE Select); coding-DNA position 6181, C replaced by G.
Protein change: p.Gln2061Glu; replaces glutamine 2061 with glutamic acid.
Molecular consequence: missense variant.
Genome position (GRCh38, 1-based): chr12:132,632,464, G>C on the plus strand (C>G on the coding strand, the complement: POLE is on the minus strand). VCF-style: chr12-132632464-G-C. GRCh37 (hg19) VCF-style: chr12-133209050-G-C.
Other names: c.6181C>G (NM_006231.2); short protein forms Q2061E.
Identifiers: ClinVar variation 941006 (VCV000941006.10), dbSNP rs773908359, ClinGen allele CA6892251.

ClinVar aggregate classification (germline): Uncertain significance. Review status: criteria provided, multiple submitters, no conflicts (2 of 4 stars). 2 submissions from 2 submitters: Uncertain significance (2). Last evaluated 2025-10-07.

Conditions:
Hereditary cancer-predisposing syndrome. Also called: Hereditary neoplastic syndrome; Neoplastic Syndromes, Hereditary; Tumor predisposition; Hereditary Cancer Syndrome. Identifiers: Orphanet 140162, MedGen C0027672, MeSH D009386, MONDO:0015356.

Allele frequency attached by ClinVar (database versions not stated): gnomAD exomes below 0.00001 and 0.00001; ExAC 0.00001.
gnomAD v4.1: 5 of 1,614,072 alleles (0.00031%); highest among the groups gnomAD compares: South Asian, 0.0022%; no homozygotes.

Submissions (2):

Ambry Genetics
Classification: Uncertain significance for Hereditary cancer-predisposing syndrome. Last evaluated: 2025-10-07. Review status: criteria provided, single submitter. Criteria: Ambry Variant Classification Scheme 2023. Collection method: clinical testing. Allele origin: germline.
Comment: The p.Q2061E variant (also known as c.6181C>G), located in coding exon 45 of the POLE gene, results from a C to G substitution at nucleotide position 6181. The glutamine at codon 2061 is replaced by glutamic acid, an amino acid with highly similar properties. This amino acid position is conserved. In addition, this alteration is predicted to be tolerated by in silico analysis. Based on the available evidence, the clinical significance of this variant remains unclear.

Labcorp Genetics (formerly Invitae), Labcorp
Classification: Uncertain significance. Last evaluated: 2025-07-02. Review status: criteria provided, single submitter. Criteria: Invitae Variant Classification Sherloc (09022015). Collection method: clinical testing. Allele origin: germline.
Comment: This sequence change replaces glutamine, which is neutral and polar, with glutamic acid, which is acidic and polar, at codon 2061 of the POLE protein (p.Gln2061Glu). This variant is present in population databases (rs773908359, gnomAD 0.006%). This variant has not been reported in the literature in individuals affected with POLE-related conditions. ClinVar contains an entry for this variant (Variation ID: 941006). Invitae Evidence Modeling of protein sequence and biophysical properties (such as structural, functional, and spatial information, amino acid conservation, physicochemical variation, residue mobility, and thermodynamic stability) indicates that this missense variant is not expected to disrupt POLE protein function with a negative predictive value of 80%. In summary, the available evidence is currently insufficient to determine the role of this variant in disease. Therefore, it has been classified as a Variant of Uncertain Significance.